The following is an entry in ClinVar:

ClinVar aggregate classification (germline): Conflicting classifications of pathogenicity. Review status: criteria provided, conflicting classifications (1 of 4 stars). 4 submissions from 4 submitters: Uncertain significance (3); Benign (1). Last evaluated 2025-10-30.

Allele frequency attached by ClinVar (database versions not stated): gnomAD exomes 0.00008; ExAC 0.00010; ESP Exome Variant Server 0.00038; TOPMed 0.00043; gnomAD 0.00044 and 0.00047.
gnomAD v4.1: 158 of 1,614,182 alleles (0.0098%); highest among the groups gnomAD compares: African/African-American, 0.17%; no homozygotes.

Submissions (4):

GeneDx
Classification: Uncertain significance. Last evaluated: 2025-10-30. Review status: criteria provided, single submitter. Criteria: GeneDx Variant Classification Process June 2021. Collection method: clinical testing. Allele origin: germline. Affected: yes.
Comment: In silico analysis suggests that this missense variant does not alter protein structure/function; Has not been previously published as pathogenic or benign to our knowledge

Labcorp Genetics (formerly Invitae), Labcorp
Classification: Uncertain significance. Last evaluated: 2024-10-15. Review status: criteria provided, single submitter. Criteria: Invitae Variant Classification Sherloc (09022015). Collection method: clinical testing. Allele origin: germline.
Comment: This sequence change replaces glycine, which is neutral and non-polar, with arginine, which is basic and polar, at codon 701 of the WHRN protein (p.Gly701Arg). This variant is present in population databases (rs111373159, gnomAD 0.1%). This variant has not been reported in the literature in individuals affected with WHRN-related conditions. ClinVar contains an entry for this variant (Variation ID: 286296). An algorithm developed to predict the effect of missense changes on protein structure and function (PolyPhen-2) suggests that this variant¬†is likely to be tolerated. In summary, the available evidence is currently insufficient to determine the role of this variant in disease. Therefore, it has been classified as a Variant of Uncertain Significance.

Blueprint Genetics
Classification: Benign. Last evaluated: 2023-10-31. Review status: criteria provided, single submitter. Criteria: ACMG Guidelines, 2015. Collection method: clinical testing. Allele origin: germline.

Eurofins Ntd Llc (ga)
Classification: Uncertain significance. Last evaluated: 2016-03-21. Review status: criteria provided, single submitter. Criteria: EGL Classification Definitions 2015. Collection method: clinical testing. Allele origin: germline. Observed: 2 variant alleles, 2 heterozygotes.

NM_015404.4(WHRN):c.2101G>C (p.Gly701Arg)

Gene: WHRN (whirlin; minus strand). Cytogenetic location: 9q32.
Variant type: single nucleotide variant.
Coding change: c.2101G>C on transcript NM_015404.4 (MANE Select); coding-DNA position 2101, G replaced by C.
Protein change: p.Gly701Arg; replaces glycine 701 with arginine.
Molecular consequence: missense variant.
Genome position (GRCh38, 1-based): chr9:114,406,490, C>G on the plus strand (G>C on the coding strand, the complement: WHRN is on the minus strand). VCF-style: chr9-114406490-C-G. GRCh37 (hg19) VCF-style: chr9-117168770-C-G.
Other names: c.952G>C, p.Gly318Arg (NM_001083885.3); c.2101G>C, p.Gly701Arg (NM_001173425.2); c.1048G>C, p.Gly350Arg (NM_001346890.1); short protein forms G701R, G318R, G350R.
Identifiers: ClinVar variation 286296 (VCV000286296.16), dbSNP rs111373159, ClinGen allele CA5205737.